The following is an entry in ClinVar:

ClinVar aggregate classification (germline): Benign/Likely benign. Review status: criteria provided, multiple submitters, no conflicts (2 of 4 stars). 9 submissions from 9 submitters: Benign (3); Likely benign (3). 3 of the submissions do not count toward it. Last evaluated 2026-02-03.

Conditions:
Combined immunodeficiency due to LRBA deficiency. Also called: Common variable immunodeficiency 8, with autoimmunity. Identifiers: Orphanet 445018, MedGen C3553512, MONDO:0013863, OMIM 614700.

Allele frequency attached by ClinVar (database versions not stated): 1000 Genomes Project 30x 0.01296; 1000 Genomes Project 0.01338; TOPMed 0.01969; gnomAD 0.02110 and 0.02129; ESP Exome Variant Server 0.02299; gnomAD exomes 0.02391 and 0.02764; ExAC 0.02530.
gnomAD v4.1: 43,553 of 1,613,952 alleles (2.7%); highest among the groups gnomAD compares: Non-Finnish European, 3.1%; 708 homozygotes.

Submissions (9):

Labcorp Genetics (formerly Invitae), Labcorp
Classification: Benign for Combined immunodeficiency due to LRBA deficiency. Last evaluated: 2026-02-03. Review status: criteria provided, single submitter. Criteria: Invitae Variant Classification Sherloc (09022015). Collection method: clinical testing. Allele origin: germline.

Women's Health and Genetics/Laboratory Corporation of America, LabCorp
Classification: Likely benign. Last evaluated: 2026-01-22. Review status: criteria provided, single submitter. Criteria: LabCorp Variant Classification Summary - May 2015. Collection method: clinical testing. Allele origin: germline.

ARUP Laboratories, Molecular Genetics and Genomics, ARUP Laboratories
Classification: Benign for Combined immunodeficiency due to LRBA deficiency. Last evaluated: 2025-06-23. Review status: criteria provided, single submitter. Criteria: ARUP Molecular Germline Variant Investigation Process 2024. Collection method: clinical testing. Allele origin: germline.

Mayo Clinic Laboratories, Mayo Clinic
Classification: Benign. Last evaluated: 2024-01-04. Review status: criteria provided, single submitter. Criteria: ACMG Guidelines, 2015. Collection method: clinical testing. Allele origin: germline. Observed: 64 variant alleles.
Comment: BS1, BS2

Laboratory for Molecular Medicine, Mass General Brigham Personalized Medicine
Classification: Likely benign. Last evaluated: 2016-03-29. Review status: criteria provided, single submitter. Criteria: LMM Criteria. Collection method: clinical testing. Allele origin: germline.
Comment: Variant identified in a genome or exome case(s) and assessed due to predicted null impact of the variant or pathogenic assertions in the literature or databases. Disclaimer: This variant has not undergone full assessment. The following are preliminary notes: Frequency

Breakthrough Genomics
Classification: Likely benign. Review status: criteria provided, single submitter. Criteria: ACMG Guidelines, 2015. Collection method: not provided. Allele origin: germline. Inheritance: Autosomal recessive inheritance. Affected: yes.

Genome Diagnostics Laboratory, University Medical Center Utrecht
Classification: Benign. Review status: no assertion criteria provided. Collection method: clinical testing. Allele origin: germline. Affected: yes. Study: VKGL Data-share Consensus. Not counted in ClinVar's aggregate classification.

Joint Genome Diagnostic Labs from Nijmegen and Maastricht, Radboudumc and MUMC+
Classification: Likely benign. Review status: no assertion criteria provided. Collection method: clinical testing. Allele origin: germline. Affected: yes. Study: VKGL Data-share Consensus. Not counted in ClinVar's aggregate classification.

Laboratory of Diagnostic Genome Analysis, Leiden University Medical Center (LUMC)
Classification: Likely benign. Review status: no assertion criteria provided. Collection method: clinical testing. Allele origin: germline. Affected: yes. Study: VKGL Data-share Consensus. Not counted in ClinVar's aggregate classification.

NM_001364905.1(LRBA):c.5989C>T (p.Arg1997Cys)

Gene: LRBA (LPS responsive beige-like anchor protein; minus strand). Cytogenetic location: 4q31.3.
Variant type: single nucleotide variant.
Coding change: c.5989C>T on transcript NM_001364905.1 (MANE Select); coding-DNA position 5989, C replaced by T.
Protein change: p.Arg1997Cys; replaces arginine 1997 with cysteine.
Molecular consequence: missense variant.
Genome position (GRCh38, 1-based): chr4:150,599,064, G>A on the plus strand (C>T on the coding strand, the complement: LRBA is on the minus strand). VCF-style: chr4-150599064-G-A. GRCh37 (hg19) VCF-style: chr4-151520216-G-A.
Other names: c.5989C>T, p.Arg1997Cys (NM_001199282.3, NM_001367550.1, NM_006726.5); short protein forms R1997C.
Identifiers: ClinVar variation 403052 (VCV000403052.31), dbSNP rs35879351, ClinGen allele CA3102284.
Genomic context (GRCh38, chr4:150,599,064, plus strand): 5'-GACCATGTTCCACGGCTGTTTTTAGTGTCGCTTCAGGATGTGTCGATCCTAGAGGGTTAC[G>A]CACAAATCGTCGCCGGCGCCGCAAGTCATCTTCCCAGTAGTCAAGGCGCCAGAACTCAAG-3'
Protein context (NP_001351834.1, residues 1987-2007): DDLRRRRRFV[Arg1997Cys]NPLGSTHPEA